The following is an entry in ClinVar:

ClinVar aggregate classification (germline): Uncertain significance (1 of 4 stars; one submission).

Conditions:
Hereditary cancer-predisposing syndrome. Also called: Neoplastic Syndromes, Hereditary; Tumor predisposition; Hereditary Cancer Syndrome; Hereditary neoplastic syndrome. Identifiers: Orphanet 140162, MedGen C0027672, MeSH D009386, MONDO:0015356.

Submission:

Ambry Genetics
Classification: Uncertain significance for Hereditary cancer-predisposing syndrome. Last evaluated: 2026-03-18. Review status: criteria provided, single submitter. Criteria: Ambry Variant Classification Scheme 2023. Collection method: clinical testing. Allele origin: germline.
Comment: The p.H178Y variant (also known as c.532C>T), located in coding exon 6 of the BMPR1A gene, results from a C to T substitution at nucleotide position 532. The histidine at codon 178 is replaced by tyrosine, an amino acid with similar properties. This amino acid position is well conserved in available vertebrate species. In addition, this alteration is predicted to be tolerated by in silico analysis. Based on the available evidence, the clinical significance of this variant remains unclear.

NM_004329.3(BMPR1A):c.532C>T (p.His178Tyr)

Gene: BMPR1A (bone morphogenetic protein receptor type 1A; plus strand). Cytogenetic location: 10q23.2.
Variant type: single nucleotide variant.
Coding change: c.532C>T on transcript NM_004329.3 (MANE Select); coding-DNA position 532, C replaced by T.
Protein change: p.His178Tyr; replaces histidine 178 with tyrosine.
Molecular consequence: missense variant. On other transcripts: non-coding transcript variant (3), intron variant (1).
Genome position (GRCh38, 1-based): chr10:86,912,241, C>T. VCF-style: chr10-86912241-C-T. GRCh37 (hg19) VCF-style: chr10-88671998-C-T.
Other names: c.532C>T, p.His178Tyr (NM_001406583.1, NM_001406564.1, NM_001406565.1 and 20 more transcripts); c.448C>T, p.His150Tyr (NM_001406584.1, NM_001406585.1, NM_001406586.1 and 2 more transcripts); c.334-4893C>T (NM_001406589.1); c.607C>T, p.His203Tyr (NM_001406559.1); c.580C>T, p.His194Tyr (NM_001406560.1); short protein forms H150Y, H178Y, H194Y, H203Y.
Identifiers: ClinVar variation 4867543 (VCV004867543.1).